The following is an entry in ClinVar:

ClinVar aggregate classification (germline): Uncertain significance (1 of 4 stars; one submission).

Conditions:
Drash syndrome (DDS). Also called: NEPHROPATHY, WILMS TUMOR, AND GENITAL ANOMALIES; WILMS TUMOR AND PSEUDO- OR TRUE HERMAPHRODITISM. Identifiers: Orphanet 220, MedGen C0950121, MONDO:0008682, OMIM 194080.
Wilms tumor 1 (WT1). Also called: Wilms tumor, somatic. Identifiers: Orphanet 654, MedGen CN033288, MONDO:0008679, OMIM 194070.
11p partial monosomy syndrome (WAGR). Also called: WAGR syndrome; WAGR Complex; CHROMOSOME 11p13 DELETION SYNDROME; WAGR Spectrum Disorder. Identifiers: Orphanet 893, MedGen C0206115, MONDO:0008681, OMIM 194072.
Frasier syndrome. Identifiers: Orphanet 347, MedGen C0950122, MeSH D052159, MONDO:0007635, OMIM 136680.

gnomAD v4.1: 1 of 1,614,024 alleles (0.000062%); highest among the groups gnomAD compares: Non-Finnish European, 0.000085%; no homozygotes.

Submission:

Labcorp Genetics (formerly Invitae), Labcorp
Classification: Uncertain significance for Wilms tumor 1; Drash syndrome; 11p partial monosomy syndrome; Frasier syndrome. Last evaluated: 2023-07-22. Review status: criteria provided, single submitter. Criteria: Invitae Variant Classification Sherloc (09022015). Collection method: clinical testing. Allele origin: germline.
Comment: This sequence change replaces serine, which is neutral and polar, with proline, which is neutral and non-polar, at codon 299 of the WT1 protein (p.Ser299Pro). This variant is present in population databases (no rsID available, gnomAD 0.0009%). This variant has not been reported in the literature in individuals affected with WT1-related conditions. An algorithm developed to predict the effect of missense changes on protein structure and function (PolyPhen-2) suggests that this variant is likely to be disruptive. In summary, the available evidence is currently insufficient to determine the role of this variant in disease. Therefore, it has been classified as a Variant of Uncertain Significance.

NM_024426.6(WT1):c.910T>C (p.Ser304Pro)

Gene: WT1 (WT1 transcription factor; minus strand). Cytogenetic location: 11p13.
Variant type: single nucleotide variant.
Coding change: c.910T>C on transcript NM_024426.6 (MANE Select); coding-DNA position 910, T replaced by C.
Protein change: p.Ser304Pro; replaces serine 304 with proline.
Molecular consequence: missense variant. On other transcripts: non-coding transcript variant (2).
Genome position (GRCh38, 1-based): chr11:32,417,632, A>G on the plus strand (T>C on the coding strand, the complement: WT1 is on the minus strand). VCF-style: chr11-32417632-A-G. GRCh37 (hg19) VCF-style: chr11-32439178-A-G.
Other names: c.910T>C, p.Ser304Pro (NM_000378.6, NM_001407044.1, NM_001407045.1 and 4 more transcripts); c.259T>C, p.Ser87Pro (NM_001198551.2, NM_001198552.2); c.787T>C, p.Ser263Pro (NM_001407047.1, NM_001407050.1); c.148T>C, p.Ser50Pro (NM_001407051.1); c.895T>C, p.Ser299Pro (NM_024425.2); short protein forms S263P, S299P, S304P, S50P, S87P.
Identifiers: ClinVar variation 2934796 (VCV002934796.3), dbSNP rs1286298624, ClinGen allele CA379962174.